The following is an entry in ClinVar:

ClinVar aggregate classification (germline): Likely benign (0 of 4 stars; one submission).

Conditions:
CDH19-related disorder. Also called: CDH19-related condition.

Allele frequency attached by ClinVar (database versions not stated): 1000 Genomes Project 0.00120; 1000 Genomes Project 30x 0.00125; TOPMed 0.00186; gnomAD 0.00307; ESP Exome Variant Server 0.00308; ExAC 0.00327; gnomAD exomes 0.00374.
gnomAD v4.1: 5,811 of 1,588,208 alleles (0.37%); highest among the groups gnomAD compares: Non-Finnish European, 0.39%; 16 homozygotes.

Submission:

PreventionGenetics, part of Exact Sciences
Classification: Likely benign for CDH19-related condition. Last evaluated: 2019-02-23. Review status: no assertion criteria provided. Collection method: clinical testing. Allele origin: germline.
Comment: This variant is classified as likely benign based on ACMG/AMP sequence variant interpretation guidelines (Richards et al. 2015 PMID: 25741868, with internal and published modifications).

NM_021153.4(CDH19):c.490+10A>G

Gene: CDH19 (cadherin 19; minus strand). Cytogenetic location: 18q22.1.
Variant type: single nucleotide variant.
Coding change: c.490+10A>G on transcript NM_021153.4 (MANE Select); 10 bases into the intron after coding-DNA position 490, A replaced by G.
Molecular consequence: intron variant.
Genome position (GRCh38, 1-based): chr18:66,568,406, T>C on the plus strand (A>G on the coding strand, the complement: CDH19 is on the minus strand). VCF-style: chr18-66568406-T-C. GRCh37 (hg19) VCF-style: chr18-64235643-T-C.
Other names: c.490+10A>G (NM_001271028.2).
Identifiers: ClinVar variation 3034535 (VCV003034535.2), dbSNP rs116957667, ClinGen allele CA8992181.